The following is an entry in ClinVar:

NM_198253.3(TERT):c.3378C>A (p.Asp1126Glu)

Gene: TERT (telomerase reverse transcriptase; minus strand). Cytogenetic location: 5p15.33.
Variant type: single nucleotide variant.
Coding change: c.3378C>A on transcript NM_198253.3 (MANE Select); coding-DNA position 3378, C replaced by A.
Protein change: p.Asp1126Glu; replaces aspartic acid 1126 with glutamic acid.
Molecular consequence: missense variant. On other transcripts: non-coding transcript variant (2).
Genome position (GRCh38, 1-based): chr5:1,253,749, G>T on the plus strand (C>A on the coding strand, the complement: TERT is on the minus strand). VCF-style: chr5-1253749-G-T. GRCh37 (hg19) VCF-style: chr5-1253864-G-T.
Other names: c.3189C>A, p.Asp1063Glu (NM_001193376.3); short protein forms D1126E, D1063E.
Identifiers: ClinVar variation 4182775 (VCV004182775.1).
Genomic context (GRCh38, chr5:1,253,749, plus strand): 5'-CTGGTGTCTGCTCTCGGCCTGGCTGTGGGCGGGTGGCCATCAGTCCAGGATGGTCTTGAA[G>T]TCTGAGGGCAGTGCCGGGTTGGCTGCGGCCTCCAGGGCAGTCAGCGTCGTCCCCGGGAGC-3'
Protein context (NP_937983.2, residues 1116-1132): EAAANPALPS[Asp1126Glu]FKTILD

ClinVar aggregate classification (germline): Uncertain significance (1 of 4 stars; one submission).

Conditions:
Dyskeratosis congenita. Identifiers: Orphanet 1775, MedGen C0265965, MONDO:0015780.

Submission:

Ambry Genetics
Classification: Uncertain significance for Dyskeratosis congenita. Last evaluated: 2025-06-22. Review status: criteria provided, single submitter. Criteria: Ambry Variant Classification Scheme 2023. Collection method: clinical testing. Allele origin: germline.
Comment: The p.D1126E variant (also known as c.3378C>A), located in coding exon 16 of the TERT gene, results from a C to A substitution at nucleotide position 3378. The aspartic acid at codon 1126 is replaced by glutamic acid, an amino acid with highly similar properties. This amino acid position is conserved. In addition, this alteration is predicted to be tolerated by in silico analysis. Based on the available evidence, the clinical significance of this variant remains unclear.